The following is an entry in ClinVar:

NM_004655.4(AXIN2):c.1777C>T (p.Pro593Ser)

Gene: AXIN2 (axin 2; minus strand). Cytogenetic location: 17q24.1.
Variant type: single nucleotide variant.
Coding change: c.1777C>T on transcript NM_004655.4 (MANE Select); coding-DNA position 1777, C replaced by T.
Protein change: p.Pro593Ser; replaces proline 593 with serine.
Molecular consequence: missense variant. On other transcripts: intron variant (1).
Genome position (GRCh38, 1-based): chr17:65,536,999, G>A on the plus strand (C>T on the coding strand, the complement: AXIN2 is on the minus strand). VCF-style: chr17-65536999-G-A. GRCh37 (hg19) VCF-style: chr17-63533117-G-A.
Other names: c.1712+325C>T (NM_001363813.1); short protein forms P593S.
Identifiers: ClinVar variation 834748 (VCV000834748.14), dbSNP rs2043935593, ClinGen allele CA400676641.
Genomic context (GRCh38, chr17:65,536,999, plus strand): 5'-CTTCCTCCCGGGGAAGCTGCAGGGCCCCAGCTCCGCCGGGGGCCCCTCCTTCCCTGGCGG[G>A]CAGGGCCAGGCCCGGCTCCGTGCCTTTCCCATTGCGTTTGGGCAAGGTACTGCCTCTGCT-3'
Protein context (NP_004646.3, residues 583-603): GKGTEPGLAL[Pro593Ser]AREGGAPGGA

ClinVar aggregate classification (germline): Uncertain significance. Review status: criteria provided, multiple submitters, no conflicts (2 of 4 stars). 2 submissions from 2 submitters: Uncertain significance (2). Last evaluated 2026-01-11.

Conditions:
Hereditary cancer-predisposing syndrome. Also called: Hereditary neoplastic syndrome; Neoplastic Syndromes, Hereditary; Tumor predisposition; Hereditary Cancer Syndrome. Identifiers: Orphanet 140162, MedGen C0027672, MeSH D009386, MONDO:0015356.
Oligodontia-cancer predisposition syndrome. Also called: TOOTH AGENESIS-COLORECTAL CANCER SYNDROME. Identifiers: Orphanet 300576, MedGen C1837750, MONDO:0012075, OMIM 608615. Disease mechanism: loss of function.

Allele frequency attached by ClinVar (database versions not stated): gnomAD exomes below 0.00001.
gnomAD v4.1: 2 of 1,612,076 alleles (0.00012%); highest among the groups gnomAD compares: South Asian, 0.0011%; no homozygotes.

Submissions (2):

Labcorp Genetics (formerly Invitae), Labcorp
Classification: Uncertain significance for Oligodontia-cancer predisposition syndrome. Last evaluated: 2026-01-11. Review status: criteria provided, single submitter. Criteria: Invitae Variant Classification Sherloc (09022015). Collection method: clinical testing. Allele origin: germline.
Comment: This sequence change replaces proline, which is neutral and non-polar, with serine, which is neutral and polar, at codon 593 of the AXIN2 protein (p.Pro593Ser). This variant is not present in population databases (gnomAD no frequency). This variant has not been reported in the literature in individuals affected with AXIN2-related conditions. ClinVar contains an entry for this variant (Variation ID: 834748). An algorithm developed to predict the effect of missense changes on protein structure and function outputs the following: PolyPhen-2: "Benign". The serine amino acid residue is found in multiple mammalian species, which suggests that this missense change does not adversely affect protein function. In summary, the available evidence is currently insufficient to determine the role of this variant in disease. Therefore, it has been classified as a Variant of Uncertain Significance.

Ambry Genetics
Classification: Uncertain significance for Hereditary cancer-predisposing syndrome. Last evaluated: 2023-04-23. Review status: criteria provided, single submitter. Criteria: Ambry Variant Classification Scheme 2023. Collection method: clinical testing. Allele origin: germline.
Comment: The p.P593S variant (also known as c.1777C>T), located in coding exon 6 of the AXIN2 gene, results from a C to T substitution at nucleotide position 1777. The proline at codon 593 is replaced by serine, an amino acid with similar properties. This amino acid position is conserved. In addition, this alteration is predicted to be tolerated by in silico analysis. Since supporting evidence is limited at this time, the clinical significance of this alteration remains unclear.